The following is an entry in ClinVar:

ClinVar aggregate classification (germline): Uncertain significance (1 of 4 stars; one submission).

gnomAD v4.1: 4 of 1,606,934 alleles (0.00025%); highest among the groups gnomAD compares: Non-Finnish European, 0.00034%; no homozygotes.

Submission:

Labcorp Genetics (formerly Invitae), Labcorp
Classification: Uncertain significance. Last evaluated: 2025-04-30. Review status: criteria provided, single submitter. Criteria: Invitae Variant Classification Sherloc (09022015). Collection method: clinical testing. Allele origin: germline.
Comment: This sequence change replaces threonine, which is neutral and polar, with methionine, which is neutral and non-polar, at codon 388 of the FSCN2 protein (p.Thr388Met). This variant is not present in population databases (gnomAD no frequency). This variant has not been reported in the literature in individuals affected with FSCN2-related conditions. An algorithm developed to predict the effect of missense changes on protein structure and function (PolyPhen-2) suggests that this variant is likely to be tolerated. In summary, the available evidence is currently insufficient to determine the role of this variant in disease. Therefore, it has been classified as a Variant of Uncertain Significance.

NM_012418.4(FSCN2):c.1106-15C>T

Gene: FSCN2 (fascin actin-bundling protein 2, retinal; plus strand). Cytogenetic location: 17q25.3.
Variant type: single nucleotide variant.
Coding change: c.1106-15C>T on transcript NM_012418.4 (MANE Select); 15 bases into the intron before coding-DNA position 1106, C replaced by T.
Molecular consequence: intron variant. On other transcripts: missense variant (1).
Genome position (GRCh38, 1-based): chr17:81,536,607, C>T. VCF-style: chr17-81536607-C-T. GRCh37 (hg19) VCF-style: chr17-79503633-C-T.
Other names: c.1163C>T, p.Thr388Met (NM_001077182.3); short protein forms T388M.
Identifiers: ClinVar variation 4760956 (VCV004760956.1).
Genomic context (GRCh38, chr17:81,536,607, plus strand): 5'-CAGGGCCCCCACCCCGCCCGGCCTGGACAGGGAAGGTGGCGGGAGGGGCAGCGCAGCAGA[C>T]GCTCTCCCCGCCAGGCAAGGACGAAGAGTTCACCCTCAAGCTCATCAACCGGCCCATCCT-3'